The following is an entry in ClinVar:

NM_000169.3(GLA):c.920C>G (p.Ala307Gly)

Genes: GLA (galactosidase alpha; minus strand), RPL36A-HNRNPH2 (RPL36A-HNRNPH2 readthrough; plus strand). Cytogenetic location: Xq22.1.
Variant type: single nucleotide variant.
Coding change: c.920C>G on transcript NM_000169.3 (MANE Select); coding-DNA position 920, C replaced by G.
Protein change: p.Ala307Gly; replaces alanine 307 with glycine.
Molecular consequence: missense variant. On other transcripts: non-coding transcript variant (3), intron variant (2).
Genome position (GRCh38, 1-based): chrX:101,398,449, G>C on the plus strand (C>G on the coding strand, the complement: GLA is on the minus strand). VCF-style: chrX-101398449-G-C. GRCh37 (hg19) VCF-style: chrX-100653437-G-C.
Other names: c.1043C>G, p.Ala348Gly (NM_001406747.1); c.920C>G, p.Ala307Gly (NM_001406748.1); c.300+2992G>C (NM_001199973.2); c.177+6627G>C (NM_001199974.2); short protein forms A307G, A348G.
Identifiers: ClinVar variation 4087579 (VCV004087579.2).

ClinVar aggregate classification (germline): Uncertain significance (1 of 4 stars; one submission).

Conditions:
Fabry disease. Also called: ALPHA-GALACTOSIDASE A DEFICIENCY; ANDERSON-FABRY DISEASE; CERAMIDE TRIHEXOSIDASE DEFICIENCY; GLA DEFICIENCY; HEREDITARY DYSTOPIC LIPIDOSIS; Angiokeratoma corporis diffusum. Identifiers: Orphanet 324, MedGen C0002986, MONDO:0010526, OMIM 301500, HP:0001071. Disease mechanism: Fabry disease is due to inactivating mutations in the X-linked GLA gene resulting in deficiency of the enzyme Alpha Galactosidase-A., loss of function.

Submission:

Genomenon, Inc
Classification: Uncertain significance for Fabry disease. Last evaluated: 2026-09-08. Review status: criteria provided, single submitter. Criteria: Genomenon Sequence Variant Interpretation Standards - Updated. Collection method: curation. Allele origin: germline. Affected: yes.
Comment: GLA p.Ala307Gly (c.920C>G) is a missense variant that changes the amino acid at codon 307 from Alanine to Glycine. This variant has been observed in at least one proband with clinical features consistent with Fabry disease (PMID:38002959). It is absent or not present at a significant frequency in gnomAD. In conclusion, we classify GLA p.Ala307Gly (c.920C>G) as a variant of uncertain significance.

Literature cited by the submitters: PubMed 38002959.